The following is an entry in ClinVar:

ClinVar aggregate classification (germline): Uncertain significance. Review status: criteria provided, multiple submitters, no conflicts (2 of 4 stars). 2 submissions from 2 submitters: Uncertain significance (2). Last evaluated 2025-09-04.

Conditions:
Early-infantile DEE. Also called: Early infantile epileptic encephalopathy; Early infantile epileptic encephalopathy with suppression bursts; Ohtahara syndrome. Identifiers: Orphanet 1934, MedGen C0393706, MONDO:0800491.

Submissions (2):

Labcorp Genetics (formerly Invitae), Labcorp
Classification: Uncertain significance for Early-infantile DEE. Last evaluated: 2025-09-04. Review status: criteria provided, single submitter. Criteria: Invitae Variant Classification Sherloc (09022015). Collection method: clinical testing. Allele origin: germline.
Comment: This sequence change replaces serine, which is neutral and polar, with tyrosine, which is neutral and polar, at codon 752 of the HCN1 protein (p.Ser752Tyr). This variant is not present in population databases (gnomAD no frequency). This variant has not been reported in the literature in individuals affected with HCN1-related conditions. ClinVar contains an entry for this variant (Variation ID: 1013251). Invitae Evidence Modeling of protein sequence and biophysical properties (such as structural, functional, and spatial information, amino acid conservation, physicochemical variation, residue mobility, and thermodynamic stability) indicates that this missense variant is not expected to disrupt HCN1 protein function with a negative predictive value of 95%. In summary, the available evidence is currently insufficient to determine the role of this variant in disease. Therefore, it has been classified as a Variant of Uncertain Significance.

CeGaT Center for Human Genetics Tuebingen
Classification: Uncertain significance. Last evaluated: 2020-12-01. Review status: criteria provided, single submitter. Criteria: CeGaT Center For Human Genetics Tuebingen Variant Classification Criteria Version 2. Collection method: clinical testing. Allele origin: germline. Affected: yes. Observed: 1 variant allele.

NM_021072.4(HCN1):c.2255C>A (p.Ser752Tyr)

Gene: HCN1 (hyperpolarization activated cyclic nucleotide gated potassium channel 1; minus strand). Cytogenetic location: 5p12.
Variant type: single nucleotide variant.
Coding change: c.2255C>A on transcript NM_021072.4 (MANE Select); coding-DNA position 2255, C replaced by A.
Protein change: p.Ser752Tyr; replaces serine 752 with tyrosine.
Molecular consequence: missense variant.
Genome position (GRCh38, 1-based): chr5:45,262,339, G>T on the plus strand (C>A on the coding strand, the complement: HCN1 is on the minus strand). VCF-style: chr5-45262339-G-T. GRCh37 (hg19) VCF-style: chr5-45262441-G-T.
Other names: short protein forms S752Y.
Identifiers: ClinVar variation 1013251 (VCV001013251.39), dbSNP rs934392482, ClinGen allele CA118278366.